The following is an entry in ClinVar:

NM_007294.4(BRCA1):c.2080dup (p.Ser694fs)

Gene: BRCA1 (BRCA1 DNA repair associated; minus strand). Cytogenetic location: 17q21.31.
Variant type: Duplication.
Coding change: c.2080dup on transcript NM_007294.4 (MANE Select); coding-DNA position 2080, one base duplicated (A; older notation c.2080dupA).
Protein change: p.Ser694fs; shifts the reading frame from serine 694.
Molecular consequence: frameshift variant. On other transcripts: intron variant (137).
Genome position (GRCh38, 1-based): chr17:43,093,451, T duplicated on the plus strand (A on the coding strand, the reverse complement: BRCA1 is on the minus strand). VCF-style (leftmost placement, unchanged base first): chr17-43093450-C-CT. GRCh37 (hg19) VCF-style: chr17-41245467-C-CT.
Other names: 2199insA; c.1939dup, p.Ser647fs (NM_001407692.1, NM_001407694.1, NM_001407695.1 and 29 more transcripts); c.1936dup, p.Ser646fs (NM_001407740.1, NM_001407741.1, NM_001407742.1 and 20 more transcripts); c.1867dup, p.Ser623fs (NM_001407853.1, NM_001407894.1, NM_001407895.1 and 9 more transcripts); c.2080dup, p.Ser694fs (NM_001407854.1, NM_001407858.1, NM_001407859.1 and 30 more transcripts); c.2077dup, p.Ser693fs (NM_001407860.1, NM_001407861.1, NM_001407587.1 and 22 more transcripts); c.1879dup, p.Ser627fs (NM_001407862.1); c.1957dup, p.Ser653fs (NM_001407863.1, NM_001407919.1, NM_001407937.1 and 19 more transcripts); and 41 more; short protein forms S647fs, S694fs, S526fs, S567fs, S646fs, S667fs, S668fs, S582fs.
Identifiers: ClinVar variation 266214 (VCV000266214.6), dbSNP rs886039993, ClinGen allele CA10589897.

ClinVar aggregate classification (germline): Pathogenic. Review status: reviewed by expert panel (3 of 4 stars). 2 submissions from 2 submitters: Pathogenic (1). 1 of the submissions does not count toward it. Last evaluated 2016-10-18.

Conditions:
Breast-ovarian cancer, familial, susceptibility to, 1 (BROVCA1). Also called: BRCA1 Hereditary Breast and Ovarian Cancer; OVARIAN CANCER, SUSCEPTIBILITY TO. Identifiers: Orphanet 145, MedGen C2676676, MONDO:0011450, OMIM 604370. Disease mechanism: loss of function.

Submissions (2):

Evidence-based Network for the Interpretation of Germline Mutant Alleles (ENIGMA)
Classification: Pathogenic for Breast-ovarian cancer, familial, susceptibility to, 1. Last evaluated: 2016-10-18. Review status: reviewed by expert panel. Criteria: ENIGMA BRCA1/2 Classification Criteria (2015). Collection method: curation. Allele origin: germline.
Comment: Variant allele predicted to encode a truncated non-functional protein.

Consortium of Investigators of Modifiers of BRCA1/2 (CIMBA), c/o University of Cambridge
Classification: Pathogenic for Breast-ovarian cancer, familial, susceptibility to, 1. Last evaluated: 2015-10-02. Review status: criteria provided, single submitter. Criteria: CIMBA Mutation Classification guidelines May 2016. Collection method: clinical testing. Allele origin: germline. Not counted in ClinVar's aggregate classification.